The following is an entry in ClinVar:

NM_017763.6(RNF43):c.1074G>C (p.Leu358=)

Gene: RNF43 (ring finger protein 43; minus strand). Cytogenetic location: 17q22.
Variant type: single nucleotide variant.
Coding change: c.1074G>C on transcript NM_017763.6 (MANE Select); coding-DNA position 1074, G replaced by C.
Protein change: p.Leu358=; no amino-acid change (leucine 358 retained).
Molecular consequence: synonymous variant.
Genome position (GRCh38, 1-based): chr17:58,358,702, C>G on the plus strand (G>C on the coding strand, the complement: RNF43 is on the minus strand). VCF-style: chr17-58358702-C-G. GRCh37 (hg19) VCF-style: chr17-56436063-C-G.
Other names: c.1074G>C, p.Leu358= (NM_001305544.3, NM_001438820.1, NM_001438821.1 and 1 more transcripts); c.693G>C, p.Leu231= (NM_001305545.2, NM_001437987.1).
Identifiers: ClinVar variation 5042427 (VCV005042427.1).

ClinVar aggregate classification (germline): Benign (1 of 4 stars; one submission).

Conditions:
Sessile serrated polyposis cancer syndrome (SSPCS). Identifiers: Orphanet 157798, MedGen C4310714, MONDO:0014919, OMIM 617108.

Submission:

Myriad Genetics, Inc.
Classification: Benign for Sessile serrated polyposis cancer syndrome. Last evaluated: 2026-07-01. Review status: criteria provided, single submitter. Criteria: Myriad Autosomal Dominant, Autosomal Recessive and X-Linked Classification Criteria (2023). Collection method: clinical testing. Allele origin: unknown.
Comment: This variant is considered benign. This variant is a silent/synonymous amino acid change and it is not expected to impact splicing.